The following is an entry in ClinVar:

NM_001312909.2(FAM111A):c.767T>C (p.Val256Ala)

Gene: FAM111A (FAM111 trypsin like peptidase A; plus strand). Cytogenetic location: 11q12.1.
Variant type: single nucleotide variant.
Coding change: c.767T>C on transcript NM_001312909.2 (MANE Select); coding-DNA position 767, T replaced by C.
Protein change: p.Val256Ala; replaces valine 256 with alanine.
Molecular consequence: missense variant.
Genome position (GRCh38, 1-based): chr11:59,152,435, T>C. VCF-style: chr11-59152435-T-C. GRCh37 (hg19) VCF-style: chr11-58919908-T-C.
Other names: c.767T>C, p.Val256Ala (NM_001142519.3, NM_001142520.3, NM_001142521.3 and 29 more transcripts); short protein forms V256A.
Identifiers: ClinVar variation 3682294 (VCV003682294.2).
Genomic context (GRCh38, chr11:59,152,435, plus strand): 5'-AGAATGATGATTGGAAACTCATTGAAAACAATGACACCATTTTAGAAAGCACCCAGCCAG[T>C]TGATGAATTAGAAGGCAGATACTTTCAGGTTGAGGTTGAGAAAAGAATGGTCCCCAGTGC-3'
Protein context (NP_001299838.1, residues 246-266): NDTILESTQP[Val256Ala]DELEGRYFQV

ClinVar aggregate classification (germline): Uncertain significance (1 of 4 stars; one submission).

Submission:

Labcorp Genetics (formerly Invitae), Labcorp
Classification: Uncertain significance. Last evaluated: 2026-01-24. Review status: criteria provided, single submitter. Criteria: Invitae Variant Classification Sherloc (09022015). Collection method: clinical testing. Allele origin: germline.
Comment: This sequence change replaces valine, which is neutral and non-polar, with alanine, which is neutral and non-polar, at codon 256 of the FAM111A protein (p.Val256Ala). This variant is present in population databases (no rsID available, gnomAD 0.003%). This variant has not been reported in the literature in individuals affected with FAM111A-related conditions. ClinVar contains an entry for this variant (Variation ID: 3682294). Invitae Evidence Modeling of protein sequence and biophysical properties (such as structural, functional, and spatial information, amino acid conservation, physicochemical variation, residue mobility, and thermodynamic stability) indicates that this missense variant is not expected to disrupt FAM111A protein function with a negative predictive value of 80%. In summary, the available evidence is currently insufficient to determine the role of this variant in disease. Therefore, it has been classified as a Variant of Uncertain Significance.